The following is an entry in ClinVar:

NM_000051.4(ATM):c.1521A>G (p.Leu507=)

Gene: ATM (ATM serine/threonine kinase; plus strand). Cytogenetic location: 11q22.3.
Variant type: single nucleotide variant.
Coding change: c.1521A>G on transcript NM_000051.4 (MANE Select); coding-DNA position 1521, A replaced by G.
Protein change: p.Leu507=; no amino-acid change (leucine 507 retained).
Molecular consequence: synonymous variant.
Genome position (GRCh38, 1-based): chr11:108,250,986, A>G. VCF-style: chr11-108250986-A-G. GRCh37 (hg19) VCF-style: chr11-108121713-A-G.
Other names: c.1521A>G, p.Leu507= (NM_001351834.2).
Identifiers: ClinVar variation 1149538 (VCV001149538.12), dbSNP rs2135325598, ClinGen allele CA476744874.

ClinVar aggregate classification (germline): Benign/Likely benign. Review status: criteria provided, multiple submitters, no conflicts (2 of 4 stars). 3 submissions from 3 submitters: Benign (1); Likely benign (2). Last evaluated 2024-04-29.

Conditions:
Ataxia-telangiectasia syndrome (AT). Also called: Ataxia-telangiectasia; Cerebello-oculocutaneous telangiectasia; Immunodeficiency with ataxia telangiectasia; Ataxia-telangiectasia, complementation group D; AT, COMPLEMENTATION GROUP C; Ataxia telangiectasia (A-T). Identifiers: Orphanet 100, MedGen C0004135, MONDO:0008840, OMIM 208900.
Hereditary cancer-predisposing syndrome. Also called: Hereditary Cancer Syndrome; Hereditary neoplastic syndrome; Neoplastic Syndromes, Hereditary; Tumor predisposition. Identifiers: Orphanet 140162, MedGen C0027672, MeSH D009386, MONDO:0015356.
Familial cancer of breast. Also called: BREAST CANCER, FAMILIAL; Hereditary breast cancer; hereditary breast carcinoma. Identifiers: Orphanet 227535, MedGen C0346153, MONDO:0016419, OMIM 114480. Disease mechanism: loss of function.

Allele frequency attached by ClinVar (database versions not stated): gnomAD exomes below 0.00001.
gnomAD v4.1: 1 of 1,614,180 alleles (0.000062%); highest among the groups gnomAD compares: African/African-American, 0.0013%; no homozygotes.

Submissions (3):

Myriad Genetics, Inc.
Classification: Benign for Familial cancer of breast. Last evaluated: 2024-04-29. Review status: criteria provided, single submitter. Criteria: Myriad Autosomal Dominant, Autosomal Recessive and X-Linked Classification Criteria (2023). Collection method: clinical testing. Allele origin: unknown.
Comment: This variant is considered benign. This variant is a silent/synonymous amino acid change and it is not expected to impact splicing.

Labcorp Genetics (formerly Invitae), Labcorp
Classification: Likely benign for Ataxia-telangiectasia syndrome. Last evaluated: 2024-03-20. Review status: criteria provided, single submitter. Criteria: Invitae Variant Classification Sherloc (09022015). Collection method: clinical testing. Allele origin: germline.

Ambry Genetics
Classification: Likely benign for Hereditary cancer-predisposing syndrome. Last evaluated: 2017-05-01. Review status: criteria provided, single submitter. Criteria: Ambry Variant Classification Scheme 2023. Collection method: clinical testing. Allele origin: germline.